The following is an entry in ClinVar:

NM_000122.2(ERCC3):c.706A>G (p.Thr236Ala)

Gene: ERCC3 (ERCC excision repair 3, TFIIH core complex helicase subunit; minus strand). Cytogenetic location: 2q14.3.
Variant type: single nucleotide variant.
Coding change: c.706A>G on transcript NM_000122.2 (MANE Select); coding-DNA position 706, A replaced by G.
Protein change: p.Thr236Ala; replaces threonine 236 with alanine.
Molecular consequence: missense variant.
Genome position (GRCh38, 1-based): chr2:127,289,453, T>C on the plus strand (A>G on the coding strand, the complement: ERCC3 is on the minus strand). VCF-style: chr2-127289453-T-C. GRCh37 (hg19) VCF-style: chr2-128047029-T-C.
Other names: c.514A>G, p.Thr172Ala (NM_001303416.2, NM_001303418.2); short protein forms T172A, T236A.
Identifiers: ClinVar variation 4773269 (VCV004773269.1).

ClinVar aggregate classification (germline): Uncertain significance (1 of 4 stars; one submission).

gnomAD v4.1: 1 of 1,613,058 alleles (0.000062%); highest among the groups gnomAD compares: Non-Finnish European, 0.000085%; no homozygotes.

Submission:

Labcorp Genetics (formerly Invitae), Labcorp
Classification: Uncertain significance. Last evaluated: 2025-04-13. Review status: criteria provided, single submitter. Criteria: Invitae Variant Classification Sherloc (09022015). Collection method: clinical testing. Allele origin: germline.
Comment: This sequence change replaces threonine, which is neutral and polar, with alanine, which is neutral and non-polar, at codon 236 of the ERCC3 protein (p.Thr236Ala). This variant is not present in population databases (gnomAD no frequency). This variant has not been reported in the literature in individuals affected with ERCC3-related conditions. Invitae Evidence Modeling of protein sequence and biophysical properties (such as structural, functional, and spatial information, amino acid conservation, physicochemical variation, residue mobility, and thermodynamic stability) indicates that this missense variant is not expected to disrupt ERCC3 protein function with a negative predictive value of 80%. In summary, the available evidence is currently insufficient to determine the role of this variant in disease. Therefore, it has been classified as a Variant of Uncertain Significance.